The following is an entry in ClinVar:

NM_020975.6(RET):c.43_51dup (p.Leu19_Pro20insLeuLeuLeu)

Gene: RET (ret proto-oncogene; plus strand). Cytogenetic location: 10q11.21.
Variant type: Duplication.
Coding change: c.43_51dup on transcript NM_020975.6 (MANE Select); coding-DNA positions 43 to 51, 9 bases duplicated (TTGCTGCTG; older notation c.43_51dupTTGCTGCTG).
Protein change: p.Leu19_Pro20insLeuLeuLeu.
Molecular consequence: inframe insertion. On other transcripts: inframe indel (42).
Genome position (GRCh38, 1-based): chr10:43,077,301-43,077,309, TTGCTGCTG duplicated; duplicating any 9 consecutive bases within chr10:43,077,295-43,077,309 gives the same sequence; the c. name uses the placement nearest the transcript's 3' end. VCF-style (leftmost placement, unchanged base first): chr10-43077294-T-TCTGCTGTTG. GRCh37 (hg19) VCF-style: chr10-43572742-T-TCTGCTGTTG.
Other names: c.43_51dup, p.Leu19_Pro20insLeuLeuLeu (NM_000323.2, NM_001406743.1, NM_001406744.1 and 38 more transcripts); c.43_51dupTTGCTGCTG (NM_020975.4).
Identifiers: ClinVar variation 824772 (VCV000824772.18), dbSNP rs1488217326, ClinGen allele CA593178996.

ClinVar aggregate classification (germline): Conflicting classifications of pathogenicity. Review status: criteria provided, conflicting classifications (1 of 4 stars). 4 submissions from 4 submitters: Uncertain significance (3); Likely benign (1). Last evaluated 2025-12-15.

Conditions:
Multiple endocrine neoplasia, type 2 (MEN2). Identifiers: Orphanet 653, MedGen C4048306, MONDO:0019003. Disease mechanism: gain of function.
Hereditary cancer-predisposing syndrome. Also called: Neoplastic Syndromes, Hereditary; Tumor predisposition; Hereditary neoplastic syndrome; Hereditary Cancer Syndrome. Identifiers: Orphanet 140162, MedGen C0027672, MeSH D009386, MONDO:0015356.

Submissions (4):

Labcorp Genetics (formerly Invitae), Labcorp
Classification: Uncertain significance for Multiple endocrine neoplasia, type 2. Last evaluated: 2025-12-15. Review status: criteria provided, single submitter. Criteria: Invitae Variant Classification Sherloc (09022015). Collection method: clinical testing. Allele origin: germline.
Comment: This variant, c.43_51dup, results in the insertion of 3 amino acid(s) of the RET protein (p.Leu17_Leu19dup), but otherwise preserves the integrity of the reading frame. This variant is present in population databases (no rsID available, gnomAD 0.007%). This variant has not been reported in the literature in individuals affected with RET-related conditions. ClinVar contains an entry for this variant (Variation ID: 824772). Experimental studies and prediction algorithms are not available or were not evaluated, and the functional significance of this variant is currently unknown. In summary, the available evidence is currently insufficient to determine the role of this variant in disease. Therefore, it has been classified as a Variant of Uncertain Significance.

All of Us Research Program, National Institutes of Health
Classification: Uncertain significance for Multiple endocrine neoplasia, type 2. Last evaluated: 2023-11-30. Review status: criteria provided, single submitter. Criteria: ACMG Guidelines, 2015. Collection method: clinical testing. Allele origin: germline. Inheritance: Autosomal dominant inheritance. Observed: 1 variant allele, 1 heterozygote.
Comment: This study involves interpretation of variants in research participants for the purpose of population health screening. Participant phenotype was not available at the time of variant classification. Additional details can be found in publication PMID: 35346344, PMCID: PMC8962531

Ambry Genetics
Classification: Likely benign for Hereditary cancer-predisposing syndrome. Last evaluated: 2021-08-23. Review status: criteria provided, single submitter. Criteria: Ambry Variant Classification Scheme 2023. Collection method: clinical testing. Allele origin: germline.

Breakthrough Genomics
Classification: Uncertain significance. Review status: criteria provided, single submitter. Criteria: ACMG Guidelines, 2015. Collection method: not provided. Allele origin: germline. Inheritance: Autosomal dominant inheritance. Affected: yes.